The following is an entry in ClinVar:

NM_145290.4(ADGRA3):c.3506G>A (p.Ser1169Asn)

Gene: ADGRA3 (adhesion G protein-coupled receptor A3; minus strand). Cytogenetic location: 4p15.2.
Variant type: single nucleotide variant.
Coding change: c.3506G>A on transcript NM_145290.4 (MANE Select); coding-DNA position 3506, G replaced by A.
Protein change: p.Ser1169Asn; replaces serine 1169 with asparagine.
Molecular consequence: missense variant.
Genome position (GRCh38, 1-based): chr4:22,388,165, C>T on the plus strand (G>A on the coding strand, the complement: ADGRA3 is on the minus strand). VCF-style: chr4-22388165-C-T. GRCh37 (hg19) VCF-style: chr4-22389788-C-T.
Other names: c.3506G>A (NM_145290.2); short protein forms S1169N.
Identifiers: ClinVar variation 1480103 (VCV001480103.9), dbSNP rs373531543, ClinGen allele CA2873354.
Genomic context (GRCh38, chr4:22,388,165, plus strand): 5'-TCTCTCAGGACTGTGAGTCGGCTTGCCCGGTGTCCTTTACTTCTGTTTTTATGGTGGCGG[C>T]TTGAGTGCACATTTGTTCGAAACTGAACTTCTAAAGGCGCCACGTGCATTTTAATATCAT-3'
Protein context (NP_660333.2, residues 1159-1179): EVQFRTNVHS[Ser1169Asn]RHHKNRSKGH

ClinVar aggregate classification (germline): Uncertain significance. Review status: criteria provided, multiple submitters, no conflicts (2 of 4 stars). 2 submissions from 2 submitters: Uncertain significance (2). Last evaluated 2025-05-20.

Allele frequency attached by ClinVar (database versions not stated): gnomAD exomes 0.00001; ExAC 0.00002; gnomAD 0.00010 and 0.00011; TOPMed 0.00010; ESP Exome Variant Server 0.00015.
gnomAD v4.1: 27 of 1,613,882 alleles (0.0017%); highest among the groups gnomAD compares: African/African-American, 0.036%; no homozygotes.

Submissions (2):

Ambry Genetics
Classification: Uncertain significance. Last evaluated: 2025-05-20. Review status: criteria provided, single submitter. Criteria: Ambry Variant Classification Scheme 2023. Collection method: clinical testing. Allele origin: germline.

Labcorp Genetics (formerly Invitae), Labcorp
Classification: Uncertain significance. Last evaluated: 2024-11-22. Review status: criteria provided, single submitter. Criteria: Invitae Variant Classification Sherloc (09022015). Collection method: clinical testing. Allele origin: germline.
Comment: This sequence change replaces serine, which is neutral and polar, with asparagine, which is neutral and polar, at codon 1169 of the ADGRA3 protein (p.Ser1169Asn). This variant is present in population databases (rs373531543, gnomAD 0.01%). This variant has not been reported in the literature in individuals affected with ADGRA3-related conditions. ClinVar contains an entry for this variant (Variation ID: 1480103). An algorithm developed to predict the effect of missense changes on protein structure and function outputs the following: PolyPhen-2: "Benign". The asparagine amino acid residue is found in multiple mammalian species, which suggests that this missense change does not adversely affect protein function. In summary, the available evidence is currently insufficient to determine the role of this variant in disease. Therefore, it has been classified as a Variant of Uncertain Significance.